The following is an entry in ClinVar:

NM_001367561.1(DOCK7):c.4003G>A (p.Val1335Ile)

Gene: DOCK7 (dedicator of cytokinesis 7; minus strand). Cytogenetic location: 1p31.3.
Variant type: single nucleotide variant.
Coding change: c.4003G>A on transcript NM_001367561.1 (MANE Select); coding-DNA position 4003, G replaced by A.
Protein change: p.Val1335Ile; replaces valine 1335 with isoleucine.
Molecular consequence: missense variant.
Genome position (GRCh38, 1-based): chr1:62,513,832, C>T on the plus strand (G>A on the coding strand, the complement: DOCK7 is on the minus strand). VCF-style: chr1-62513832-C-T. GRCh37 (hg19) VCF-style: chr1-62979503-C-T.
Other names: c.4003G>A, p.Val1335Ile (NM_001271999.2, NM_001330614.2); c.3910G>A, p.Val1304Ile (NM_001272000.2, NM_001272001.2, NM_033407.4); c.3910G>A (NM_033407.2); short protein forms V1335I, V1304I.
Identifiers: ClinVar variation 945842 (VCV000945842.11), dbSNP rs761527184, ClinGen allele CA885824.
Genomic context (GRCh38, chr1:62,513,832, plus strand): 5'-GCAAGACTGAGAGATCTGTAAACCACTTCTGTAGAACTGTTTCATCTGCATTTTTGAGAA[C>T]CCAAAGTAGACAGATCAAAAGGCTTCGACTTGATTCTGCTGAAAAGGTAGTGTGTTGCCT-3'
Protein context (NP_001354490.1, residues 1325-1345): SRSLLICLLW[Val1335Ile]LKNADETVLQ

ClinVar aggregate classification (germline): Uncertain significance. Review status: criteria provided, multiple submitters, no conflicts (2 of 4 stars). 3 submissions from 3 submitters: Uncertain significance (3). Last evaluated 2023-04-11.

Conditions:
Inborn genetic diseases. Identifiers: MedGen C0950123, MeSH D030342.
Developmental and epileptic encephalopathy, 23 (DEE23). Also called: Epileptic encephalopathy, early infantile, 23. Identifiers: Orphanet 411986, MedGen C4014492, MONDO:0014371, OMIM 615859.

gnomAD v4.1: 8 of 1,614,042 alleles (0.0005%); highest among the groups gnomAD compares: Non-Finnish European, 0.00068%; no homozygotes.

Submissions (3):

Genome-Nilou Lab
Classification: Uncertain significance for Developmental and epileptic encephalopathy, 23. Last evaluated: 2023-04-11. Review status: criteria provided, single submitter. Criteria: ACMG Guidelines, 2015. Collection method: clinical testing. Allele origin: germline. Affected: no.

Ambry Genetics
Classification: Uncertain significance for Inborn genetic diseases. Last evaluated: 2023-01-24. Review status: criteria provided, single submitter. Criteria: Ambry Variant Classification Scheme 2023. Collection method: clinical testing. Allele origin: germline.

Labcorp Genetics (formerly Invitae), Labcorp
Classification: Uncertain significance for Developmental and epileptic encephalopathy, 23. Last evaluated: 2022-09-01. Review status: criteria provided, single submitter. Criteria: Invitae Variant Classification Sherloc (09022015). Collection method: clinical testing. Allele origin: germline.
Comment: This sequence change replaces valine, which is neutral and non-polar, with isoleucine, which is neutral and non-polar, at codon 1335 of the DOCK7 protein (p.Val1335Ile). This variant is present in population databases (rs761527184, gnomAD 0.002%). This variant has not been reported in the literature in individuals affected with DOCK7-related conditions. ClinVar contains an entry for this variant (Variation ID: 945842). Algorithms developed to predict the effect of missense changes on protein structure and function are either unavailable or do not agree on the potential impact of this missense change (SIFT: "Deleterious"; PolyPhen-2: "Probably Damaging"; Align-GVGD: "Class C0"). In summary, the available evidence is currently insufficient to determine the role of this variant in disease. Therefore, it has been classified as a Variant of Uncertain Significance.